The following is an entry in ClinVar:

ClinVar aggregate classification (germline): Uncertain significance (1 of 4 stars; one submission).

Allele frequency attached by ClinVar (database versions not stated): gnomAD exomes 0.00001.
gnomAD v4.1: 3 of 1,612,082 alleles (0.00019%); highest among the groups gnomAD compares: Admixed American, 0.005%; no homozygotes.

Submission:

Labcorp Genetics (formerly Invitae), Labcorp
Classification: Uncertain significance. Last evaluated: 2025-11-24. Review status: criteria provided, single submitter. Criteria: Invitae Variant Classification Sherloc (09022015). Collection method: clinical testing. Allele origin: germline.
Comment: This sequence change replaces asparagine, which is neutral and polar, with aspartic acid, which is acidic and polar, at codon 1332 of the CASZ1 protein (p.Asn1332Asp). This variant is present in population databases (no rsID available, gnomAD 0.009%). This variant has not been reported in the literature in individuals affected with CASZ1-related conditions. ClinVar contains an entry for this variant (Variation ID: 2784032). An algorithm developed to predict the effect of missense changes on protein structure and function (PolyPhen-2) suggests that this variant is likely to be disruptive. In summary, the available evidence is currently insufficient to determine the role of this variant in disease. Therefore, it has been classified as a Variant of Uncertain Significance.

NM_001079843.3(CASZ1):c.3994A>G (p.Asn1332Asp)

Gene: CASZ1 (castor zinc finger 1; minus strand). Cytogenetic location: 1p36.22.
Variant type: single nucleotide variant.
Coding change: c.3994A>G on transcript NM_001079843.3 (MANE Select); coding-DNA position 3994, A replaced by G.
Protein change: p.Asn1332Asp; replaces asparagine 1332 with aspartic acid.
Molecular consequence: missense variant.
Genome position (GRCh38, 1-based): chr1:10,643,186, T>C on the plus strand (A>G on the coding strand, the complement: CASZ1 is on the minus strand). VCF-style: chr1-10643186-T-C. GRCh37 (hg19) VCF-style: chr1-10703243-T-C.
Other names: short protein forms N1332D.
Identifiers: ClinVar variation 2784032 (VCV002784032.3), dbSNP rs1237203108, ClinGen allele CA338351107.